The following is an entry in ClinVar:

NM_012308.3(KDM2A):c.1702C>G (p.Arg568Gly)

Gene: KDM2A (lysine demethylase 2A; plus strand). Cytogenetic location: 11q13.2.
Variant type: single nucleotide variant.
Coding change: c.1702C>G on transcript NM_012308.3 (MANE Select); coding-DNA position 1702, C replaced by G.
Protein change: p.Arg568Gly; replaces arginine 568 with glycine.
Molecular consequence: missense variant. On other transcripts: non-coding transcript variant (1).
Genome position (GRCh38, 1-based): chr11:67,245,327, C>G. VCF-style: chr11-67245327-C-G. GRCh37 (hg19) VCF-style: chr11-67012798-C-G.
Other names: c.385C>G, p.Arg129Gly (NM_001256405.2); short protein forms R129G, R568G.
Identifiers: ClinVar variation 4532151 (VCV004532151.1).

ClinVar aggregate classification (germline): Likely pathogenic (1 of 4 stars; one submission).

Conditions:
Neurodevelopmental disorder. Identifiers: MedGen C1535926, MeSH D065886, MONDO:0700092.

Submission:

Victorian Clinical Genetics Services, Murdoch Childrens Research Institute
Classification: Likely pathogenic for Neurodevelopmental disorder. Last evaluated: 2025-03-05. Review status: criteria provided, single submitter. Criteria: ACMG Guidelines, 2015. Collection method: clinical testing. Allele origin: germline. Affected: yes.
Comment: This variant is classified as Likely pathogenic. Evidence in support of pathogenic classification: Variant is absent from gnomAD (v2, v3 and v4); Another missense comparable to the one identified in this case has limited previous evidence for pathogenicity. p.(Arg568Gln) has been identified in an individual with global developmental delay and mild intellectual disability (unpublished data); Missense variant predicted to be damaging by in silico tool(s) or highly conserved with a major amino acid change; Additional information: Variant is predicted to result in a missense amino acid change from arginine to glycine; This variant is heterozygous; This gene is associated with autosomal dominant disease; This variant has no previous evidence of pathogenicity; No published segregation evidence has been identified for this variant; No published functional evidence has been identified for this variant; Variant is located in the annotated CXXC zinc finger domain (DECIPHER); Loss of function is a likely mechanism of disease in this gene and is associated with neurodevelopmental disorder (MONDO:0700092), KDM2A-related. KDM2A variants have been identified in several heterozygous individuals with KDM2A-related neurodevelopmental disorder, the majority of which are de novo (unpublished data, PMID: 38060137).

Literature cited by the submitters: PubMed 38060137.